The following is an entry in ClinVar:

NM_001386795.1(DTNA):c.2117G>A (p.Gly706Glu)

Gene: DTNA (dystrobrevin alpha; plus strand). Cytogenetic location: 18q12.1.
Variant type: single nucleotide variant.
Coding change: c.2117G>A on transcript NM_001386795.1 (MANE Select); coding-DNA position 2117, G replaced by A.
Protein change: p.Gly706Glu; replaces glycine 706 with glutamic acid.
Molecular consequence: missense variant.
Genome position (GRCh38, 1-based): chr18:34,879,674, G>A. VCF-style: chr18-34879674-G-A. GRCh37 (hg19) VCF-style: chr18-32459638-G-A.
Other names: c.1877G>A, p.Gly626Glu (NM_001198939.2); c.1856G>A, p.Gly619Glu (NM_001198940.2, NM_001198938.2, NM_001386753.1 and 5 more transcripts); c.1163G>A, p.Gly388Glu (NM_001198942.1); c.1106G>A, p.Gly369Glu (NM_001198943.1); c.992G>A, p.Gly331Glu (NM_001198944.1); c.1946G>A, p.Gly649Glu (NM_001386754.1, NM_001386755.1, NM_001386756.1 and 3 more transcripts); c.1943G>A, p.Gly648Glu (NM_001386760.1); c.1865G>A, p.Gly622Glu (NM_001386761.1, NM_032975.4); and 5 more; short protein forms G369E, G618E, G619E, G626E, G648E, G679E, G331E, G621E.
Identifiers: ClinVar variation 3698827 (VCV003698827.2).

ClinVar aggregate classification (germline): Uncertain significance (1 of 4 stars; one submission).

Conditions:
Left ventricular noncompaction 1 (LVNC1). Also called: LEFT VENTRICULAR NONCOMPACTION 1 WITH OR WITHOUT CONGENITAL HEART DEFECTS. Identifiers: Orphanet 54260, MedGen C1858725, MONDO:0011403, OMIM 604169.

gnomAD v4.1: 17 of 1,614,036 alleles (0.0011%); highest among the groups gnomAD compares: African/African-American, 0.023%; no homozygotes.

Submission:

Labcorp Genetics (formerly Invitae), Labcorp
Classification: Uncertain significance for Left ventricular noncompaction 1. Last evaluated: 2024-11-10. Review status: criteria provided, single submitter. Criteria: Invitae Variant Classification Sherloc (09022015). Collection method: clinical testing. Allele origin: germline.
Comment: This sequence change replaces glycine, which is neutral and non-polar, with glutamic acid, which is acidic and polar, at codon 679 of the DTNA protein (p.Gly679Glu). This variant is present in population databases (rs150410546, gnomAD 0.02%). This variant has not been reported in the literature in individuals affected with DTNA-related conditions. An algorithm developed to predict the effect of missense changes on protein structure and function (PolyPhen-2) suggests that this variant is likely to be tolerated. In summary, the available evidence is currently insufficient to determine the role of this variant in disease. Therefore, it has been classified as a Variant of Uncertain Significance.